The following is an entry in ClinVar:

ClinVar aggregate classification (germline): Uncertain significance (1 of 4 stars; one submission).

gnomAD v4.1: 7 of 1,209,502 alleles (0.00058%); highest among the groups gnomAD compares: East Asian, 0.003%; no homozygotes.

Submission:

Ambry Genetics
Classification: Uncertain significance. Last evaluated: 2025-10-22. Review status: criteria provided, single submitter. Criteria: Ambry Variant Classification Scheme 2023. Collection method: clinical testing. Allele origin: germline.
Comment: The c.881C>T (p.P294L) alteration is located in exon 3 (coding exon 3) of the BCORL1 gene. This alteration results from a C to T substitution at nucleotide position 881, causing the proline (P) at amino acid position 294 to be replaced by a leucine (L). Based on data from gnomAD, the T allele has an overall frequency of 0.002% (3/182405) total alleles studied. The highest observed frequency was 0.014% (2/13853) of East Asian alleles. Based on insufficient or conflicting evidence, the clinical significance of this alteration remains unclear.

NM_001379451.1(BCORL1):c.881C>T (p.Pro294Leu)

Gene: BCORL1 (BCL6 corepressor like 1; plus strand). Cytogenetic location: Xq26.1.
Variant type: single nucleotide variant.
Coding change: c.881C>T on transcript NM_001379451.1 (MANE Select); coding-DNA position 881, C replaced by T.
Protein change: p.Pro294Leu; replaces proline 294 with leucine.
Molecular consequence: missense variant.
Genome position (GRCh38, 1-based): chrX:130,013,653, C>T. VCF-style: chrX-130013653-C-T. GRCh37 (hg19) VCF-style: chrX-129147629-C-T.
Other names: c.881C>T, p.Pro294Leu (NM_001184772.3, NM_001379450.1, NM_001441326.1 and 7 more transcripts); short protein forms P294L.
Identifiers: ClinVar variation 4645610 (VCV004645610.1).